The following is an entry in ClinVar:

ClinVar aggregate classification (germline): Uncertain significance (1 of 4 stars; one submission).

Conditions:
Inborn genetic diseases. Identifiers: MedGen C0950123, MeSH D030342.

Submission:

Ambry Genetics
Classification: Uncertain significance for Inborn genetic diseases. Last evaluated: 2025-04-28. Review status: criteria provided, single submitter. Criteria: Ambry Variant Classification Scheme 2023. Collection method: clinical testing. Allele origin: germline.
Comment: The c.1009+4A>G intronic variant results from an A to G substitution 4 nucleotides after coding exon 5 in the ETV6 gene. This nucleotide position is not well conserved in available vertebrate species. In silico splice site analysis predicts that this alteration will result in the creation or strengthening of a novel splice donor site; however, direct evidence is insufficient at this time (Ambry internal data). Based on the available evidence, the clinical significance of this variant remains unclear.

NM_001987.5(ETV6):c.1009+4A>G

Gene: ETV6 (ETS variant transcription factor 6; plus strand). Cytogenetic location: 12p13.2.
Variant type: single nucleotide variant.
Coding change: c.1009+4A>G on transcript NM_001987.5 (MANE Select); 4 bases into the intron after coding-DNA position 1009, A replaced by G.
Molecular consequence: intron variant. On other transcripts: missense variant (1).
Genome position (GRCh38, 1-based): chr12:11,869,973, A>G. VCF-style: chr12-11869973-A-G. GRCh37 (hg19) VCF-style: chr12-12022907-A-G.
Other names: c.1013A>G, p.Glu338Gly (NM_001413916.1); c.982+4A>G (NM_001413914.1); c.1009+4A>G (NM_001413917.1); c.1006+4A>G (NM_001413913.1); c.745+4A>G (NM_001413915.1); short protein forms E338G.
Identifiers: ClinVar variation 4020061 (VCV004020061.1).